The following is an entry in ClinVar:

NM_005359.6(SMAD4):c.1652_1654delinsAA (p.Leu551_Asp552delinsTer)

Gene: SMAD4 (SMAD family member 4; plus strand). Cytogenetic location: 18q21.2.
Variant type: Indel.
Coding change: c.1652_1654delinsAA on transcript NM_005359.6 (MANE Select); coding-DNA positions 1652 to 1654, TAG replaced by AA.
Protein change: p.Leu551_Asp552delinsTer.
Molecular consequence: nonsense. On other transcripts: non-coding transcript variant (1).
Genome position (GRCh38, 1-based): chr18:51,078,460-51,078,462, TAG replaced by AA. VCF-style: chr18-51078460-TAG-AA. GRCh37 (hg19) VCF-style: chr18-48604830-TAG-AA.
Other names: c.1652_1654delinsAA, p.Leu551_Asp552delinsTer (NM_001407041.1, NM_001407042.1).
Identifiers: ClinVar variation 3894519 (VCV003894519.1).

ClinVar aggregate classification (germline): Uncertain significance (1 of 4 stars; one submission).

Conditions:
Hereditary cancer-predisposing syndrome. Also called: Neoplastic Syndromes, Hereditary; Tumor predisposition; Hereditary Cancer Syndrome; Hereditary neoplastic syndrome. Identifiers: Orphanet 140162, MedGen C0027672, MeSH D009386, MONDO:0015356.

Submission:

Color Diagnostics, LLC DBA Color Health
Classification: Uncertain significance for Hereditary cancer-predisposing syndrome. Last evaluated: 2024-07-26. Review status: criteria provided, single submitter. Criteria: ACMG Guidelines, 2015. Collection method: clinical testing. Allele origin: germline.
Comment: This variant deletes three nucleotides and inserts two new nucleotides in exon 12 of the SMAD4 gene, creating a frameshift and premature translation stop signal in the last coding exon. This mutant transcript is predicted to escape nonsense-mediated decay and be expressed as a truncated protein that eliminates the last two amino acids of the wild type protein. To our knowledge, this variant has not been reported in individuals affected with SMAD4-related disorders in the literature. This variant has not been identified in the general population by the Genome Aggregation Database (gnomAD). Loss of SMAD4 function is a known mechanism of disease. The available evidence is insufficient to determine the role of this variant in disease conclusively. Therefore, this variant is classified as a Variant of Uncertain Significance.